The following is an entry in ClinVar:

ClinVar aggregate classification (germline): Conflicting classifications of pathogenicity. Review status: criteria provided, conflicting classifications (1 of 4 stars). 6 submissions from 6 submitters: Uncertain significance (2); Benign (2); Likely benign (2). Last evaluated 2026-01-03.

Conditions:
MYO15A-related disorder. Also called: MYO15A-related condition.
Autosomal recessive nonsyndromic hearing loss 3. Also called: NEUROSENSORY NONSYNDROMIC RECESSIVE DEAFNESS 3. Identifiers: Orphanet 90636, MedGen C1838263, MONDO:0010860, OMIM 600316.

Allele frequency attached by ClinVar (database versions not stated): gnomAD exomes 0.00018 and 0.00050; ExAC 0.00053; ESP Exome Variant Server 0.00111; gnomAD 0.00196 and 0.00211; TOPMed 0.00209; 1000 Genomes Project 0.00240; 1000 Genomes Project 30x 0.00250.

Submissions (6):

Labcorp Genetics (formerly Invitae), Labcorp
Classification: Benign. Last evaluated: 2026-01-03. Review status: criteria provided, single submitter. Criteria: Invitae Variant Classification Sherloc (09022015). Collection method: clinical testing. Allele origin: germline.

CeGaT Center for Human Genetics Tuebingen
Classification: Uncertain significance. Last evaluated: 2025-09-01. Review status: criteria provided, single submitter. Criteria: CeGaT Center For Human Genetics Tuebingen Variant Classification Criteria Version 2. Collection method: clinical testing. Allele origin: germline. Affected: yes. Observed: 1 variant allele.

PreventionGenetics, part of Exact Sciences
Classification: Likely benign for MYO15A-related condition. Last evaluated: 2024-11-14. Review status: criteria provided, single submitter. Criteria: ACMG Guidelines, 2015. Collection method: clinical testing. Allele origin: germline.
Comment: This variant is classified as likely benign based on ACMG/AMP sequence variant interpretation guidelines (Richards et al. 2015 PMID: 25741868, with internal and published modifications).

ARUP Laboratories, Molecular Genetics and Genomics, ARUP Laboratories
Classification: Likely benign for Autosomal recessive nonsyndromic hearing loss 3. Last evaluated: 2022-07-15. Review status: criteria provided, single submitter. Criteria: ARUP Molecular Germline Variant Investigation Process 2021. Collection method: clinical testing. Allele origin: germline.

GeneDx
Classification: Uncertain significance. Last evaluated: 2018-02-19. Review status: criteria provided, single submitter. Criteria: GeneDx Variant Classification (06012015). Collection method: clinical testing. Allele origin: germline. Affected: yes.
Comment: The c.7655-7 C>G variant has not been published as a pathogenic variant, nor has it been reported as a benign variant to our knowledge. The variant is observed in 162/24020 (0.674%) alleles from individuals of African background in large population cohorts (Lek et al., 2016). Several in silico splice prediction models predict that c.7655-7 C>G damages the natural splice acceptor site and leads to abnormal gene splicing. However, in the absence of RNA/functional studies, the actual effect of this sequence change in this individual is unknown. Therefore, based on the currently available information, it is unclear whether this variant is a pathogenic variant or a rare benign variant.

Laboratory for Molecular Medicine, Mass General Brigham Personalized Medicine
Classification: Benign. Last evaluated: 2017-01-25. Review status: criteria provided, single submitter. Criteria: LMM Criteria. Collection method: clinical testing. Allele origin: germline. Observed: 2 variant alleles.
Comment: c.7655-7C>G in intron 39 of MYO15A: This variant is not expected to have clinica l significance because it has been identified in 0.6% (59/9796) of African chrom osomes by the Exome Aggregation Consortium (ExAC ; dbSNP rs191171943).

NM_016239.4(MYO15A):c.7655-7C>G

Gene: MYO15A (myosin XVA; plus strand). Cytogenetic location: 17p11.2.
Variant type: single nucleotide variant.
Coding change: c.7655-7C>G on transcript NM_016239.4 (MANE Select); 7 bases into the intron before coding-DNA position 7655, C replaced by G.
Molecular consequence: intron variant.
Genome position (GRCh38, 1-based): chr17:18,151,388, C>G. VCF-style: chr17-18151388-C-G. GRCh37 (hg19) VCF-style: chr17-18054702-C-G.
Identifiers: ClinVar variation 504236 (VCV000504236.20), dbSNP rs191171943, ClinGen allele CA8424914.